The following is an entry in ClinVar:

NC_000002.12:g.(?_214767476)_(214769318_?)del

Gene: BARD1 (BRCA1 associated RING domain 1; minus strand). Cytogenetic location: 2q35.
Variant type: Deletion.
Identifiers: ClinVar variation 530275 (VCV000530275.2).

ClinVar aggregate classification (germline): Pathogenic (1 of 4 stars; one submission).

Conditions:
Familial cancer of breast. Also called: BREAST CANCER, FAMILIAL; Hereditary breast cancer; hereditary breast carcinoma. Identifiers: Orphanet 227535, MedGen C0346153, MONDO:0016419, OMIM 114480. Disease mechanism: loss of function.

Submission:

Labcorp Genetics (formerly Invitae), Labcorp
Classification: Pathogenic for Familial cancer of breast. Last evaluated: 2017-10-18. Review status: criteria provided, single submitter. Criteria: Invitae Variant Classification Sherloc (09022015). Collection method: clinical testing. Allele origin: germline.
Comment: This variant is an out-of-frame deletion of the genomic region encompassing exons 5-6 of the BARD1 gene. This is expected to create a premature translational stop signal and result in an absent or disrupted protein product. This variant has not been reported in the literature in individuals affected with BARD1-related disease. Loss-of-function variants in BARD1 are known to be pathogenic (PMID: 20077502, 21344236). For these reasons, this variant has been classified as Pathogenic.